The following is an entry in ClinVar:

NM_002860.4(ALDH18A1):c.2041G>A (p.Val681Ile)

Gene: ALDH18A1 (aldehyde dehydrogenase 18 family member A1; minus strand). Cytogenetic location: 10q24.1.
Variant type: single nucleotide variant.
Coding change: c.2041G>A on transcript NM_002860.4 (MANE Select); coding-DNA position 2041, G replaced by A.
Protein change: p.Val681Ile; replaces valine 681 with isoleucine.
Molecular consequence: missense variant.
Genome position (GRCh38, 1-based): chr10:95,611,325, C>T on the plus strand (G>A on the coding strand, the complement: ALDH18A1 is on the minus strand). VCF-style: chr10-95611325-C-T. GRCh37 (hg19) VCF-style: chr10-97371082-C-T.
Other names: c.2035G>A, p.Val679Ile (NM_001017423.2, NM_001323415.2); c.1708G>A, p.Val570Ile (NM_001323412.2, NM_001323416.2); c.2041G>A, p.Val681Ile (NM_001323413.2, NM_001323414.2); c.1936G>A, p.Val646Ile (NM_001323417.2); c.1702G>A, p.Val568Ile (NM_001323418.2); c.1405G>A, p.Val469Ile (NM_001323419.2); short protein forms V469I, V568I, V570I, V646I, V679I, V681I.
Identifiers: ClinVar variation 2581729 (VCV002581729.2), dbSNP rs764233894, ClinGen allele CA5620164.

ClinVar aggregate classification (germline): Uncertain significance. Review status: criteria provided, multiple submitters, no conflicts (2 of 4 stars). 2 submissions from 2 submitters: Uncertain significance (2). Last evaluated 2025-10-18.

Conditions:
de Barsy syndrome. Also called: Cutis laxa-corneal clouding-oligophrenia syndrome. Identifiers: Orphanet 2962, MedGen C0268354, MONDO:0017569.
Cutis laxa, autosomal dominant 3 (ADCL3). Identifiers: Orphanet 90348, MedGen C4225268, MONDO:0014706, OMIM 616603.
Autosomal dominant spastic paraplegia type 9. Identifiers: MedGen C1832669, MONDO:0015091.

Allele frequency attached by ClinVar (database versions not stated): ExAC 0.00004; TOPMed below 0.00001.
gnomAD v4.1: 27 of 1,614,198 alleles (0.0017%); highest among the groups gnomAD compares: South Asian, 0.024%; no homozygotes.

Submissions (2):

Labcorp Genetics (formerly Invitae), Labcorp
Classification: Uncertain significance for Autosomal dominant spastic paraplegia type 9; de Barsy syndrome; Cutis laxa, autosomal dominant 3. Last evaluated: 2025-10-18. Review status: criteria provided, single submitter. Criteria: Invitae Variant Classification Sherloc (09022015). Collection method: clinical testing. Allele origin: germline.
Comment: This sequence change replaces valine, which is neutral and non-polar, with isoleucine, which is neutral and non-polar, at codon 681 of the ALDH18A1 protein (p.Val681Ile). This variant is present in population databases (rs764233894, gnomAD 0.03%). This variant has not been reported in the literature in individuals affected with ALDH18A1-related conditions. ClinVar contains an entry for this variant (Variation ID: 2581729). Invitae Evidence Modeling of protein sequence and biophysical properties (such as structural, functional, and spatial information, amino acid conservation, physicochemical variation, residue mobility, and thermodynamic stability) indicates that this missense variant is not expected to disrupt ALDH18A1 protein function with a negative predictive value of 80%. In summary, the available evidence is currently insufficient to determine the role of this variant in disease. Therefore, it has been classified as a Variant of Uncertain Significance.

GeneDx
Classification: Uncertain significance. Last evaluated: 2023-03-28. Review status: criteria provided, single submitter. Criteria: GeneDx Variant Classification Process June 2021. Collection method: clinical testing. Allele origin: germline. Affected: yes.
Comment: In silico analysis supports that this missense variant does not alter protein structure/function; Has not been previously published as pathogenic or benign to our knowledge